The following is an entry in ClinVar:

NM_002755.4(MAP2K1):c.568+1G>A

Gene: MAP2K1 (mitogen-activated protein kinase kinase 1; plus strand). Cytogenetic location: 15q22.31.
Variant type: single nucleotide variant.
Coding change: c.568+1G>A on transcript NM_002755.4 (MANE Select); the canonical splice donor site of the intron after coding-DNA position 568, G replaced by A.
Molecular consequence: splice donor variant.
Genome position (GRCh38, 1-based): chr15:66,444,708, G>A. VCF-style: chr15-66444708-G-A. GRCh37 (hg19) VCF-style: chr15-66737046-G-A.
Other names: c.424+1G>A (NM_001411065.1).
Identifiers: ClinVar variation 180902 (VCV000180902.7), dbSNP rs730880505, ClinGen allele CA296118.

ClinVar aggregate classification (germline): Uncertain significance. Review status: criteria provided, multiple submitters, no conflicts (2 of 4 stars). 2 submissions from 2 submitters: Uncertain significance (2). Last evaluated 2023-04-25.

Allele frequency attached by ClinVar (database versions not stated): gnomAD exomes below 0.00001.
gnomAD v4.1: 2 of 1,611,124 alleles (0.00012%); highest among the groups gnomAD compares: African/African-American, 0.0013%; no homozygotes.

Submissions (3):

GeneDx
Classification: Uncertain significance. Last evaluated: 2023-04-25. Review status: criteria provided, single submitter. Criteria: GeneDx Variant Classification Process June 2021. Collection method: clinical testing. Allele origin: germline. Affected: yes.
Comment: Canonical splice site variant in a gene or region of a gene for which loss of function is not a well-established mechanism of disease; Has not been previously published as pathogenic or benign to our knowledge

Laboratory for Molecular Medicine, Mass General Brigham Personalized Medicine
Classification: Uncertain significance. Last evaluated: 2015-10-22. Review status: criteria provided, single submitter. Criteria: LMM Criteria. Collection method: clinical testing. Allele origin: germline. Observed: 1 variant allele.
Comment: The c.568+1G>A variant in MAP2K1 has not been previously reported in individuals with HCM or a RASopathy, and was absent from large population studies. This var iant occurs in the invariant region (+/- 1,2) of the splice consensus sequence a nd is predicted to cause altered splicing leading to an abnormal or absent prote in. To date, all disease-causing variants in MAP2K1 are activating mutations, a nd splice variants are not a known mechanism of disease in individuals with a RA Sopathy. In summary, the clinical significance of the c.568+1G>A variant is unc ertain since it is unclear what impact this variant would have on the protein.

Dr. Peter K. Rogan Lab, Western University
No classification provided (evidence only). Condition: Nonpapillary renal cell carcinoma. Review status: no classification provided. Collection method: in vitro. Allele origin: not applicable. Functional consequence: retained intron. Not counted in ClinVar's aggregate classification.